The following is an entry in ClinVar:

NM_003458.4(BSN):c.54C>G (p.Pro18=)

Genes: BSN (bassoon presynaptic cytomatrix protein; plus strand), LOC129936761 (ATAC-STARR-seq lymphoblastoid silent region 14369; plus strand). Cytogenetic location: 3p21.31.
Variant type: single nucleotide variant.
Coding change: c.54C>G on transcript NM_003458.4 (MANE Select); coding-DNA position 54, C replaced by G.
Protein change: p.Pro18=; no amino-acid change (proline 18 retained).
Molecular consequence: synonymous variant.
Genome position (GRCh38, 1-based): chr3:49,554,656, C>G. VCF-style: chr3-49554656-C-G. GRCh37 (hg19) VCF-style: chr3-49592089-C-G.
Identifiers: ClinVar variation 2653829 (VCV002653829.24), dbSNP rs1382496840, ClinGen allele CA433662553.

ClinVar aggregate classification (germline): Likely benign (1 of 4 stars; one submission).

Submission:

CeGaT Center for Human Genetics Tuebingen
Classification: Likely benign. Last evaluated: 2023-10-01. Review status: criteria provided, single submitter. Criteria: CeGaT Center For Human Genetics Tuebingen Variant Classification Criteria Version 2. Collection method: clinical testing. Allele origin: germline. Affected: yes. Observed: 1 variant allele.
Comment: BSN: PM2:Supporting, BP4, BP7